The following is an entry in ClinVar:

ClinVar aggregate classification (germline): Uncertain significance (1 of 4 stars; one submission).

Conditions:
Renal cell carcinoma. Identifiers: Orphanet 217071, MedGen C0007134, MeSH D002292, MONDO:0005086, HP:0005584.

Submission:

Labcorp Genetics (formerly Invitae), Labcorp
Classification: Uncertain significance for Renal cell carcinoma. Last evaluated: 2023-09-13. Review status: criteria provided, single submitter. Criteria: Invitae Variant Classification Sherloc (09022015). Collection method: clinical testing. Allele origin: germline.
Comment: In summary, the available evidence is currently insufficient to determine the role of this variant in disease. Therefore, it has been classified as a Variant of Uncertain Significance. Advanced modeling of protein sequence and biophysical properties (such as structural, functional, and spatial information, amino acid conservation, physicochemical variation, residue mobility, and thermodynamic stability) has been performed at Invitae for this missense variant, however the output from this modeling did not meet the statistical confidence thresholds required to predict the impact of this variant on MET protein function. This variant has not been reported in the literature in individuals affected with MET-related conditions. This variant is not present in population databases (gnomAD no frequency). This sequence change replaces valine, which is neutral and non-polar, with glutamic acid, which is acidic and polar, at codon 490 of the MET protein (p.Val490Glu).

NM_000245.4(MET):c.1469T>A (p.Val490Glu)

Gene: MET (MET proto-oncogene, receptor tyrosine kinase; plus strand). Cytogenetic location: 7q31.2.
Variant type: single nucleotide variant.
Coding change: c.1469T>A on transcript NM_000245.4 (MANE Select); coding-DNA position 1469, T replaced by A.
Protein change: p.Val490Glu; replaces valine 490 with glutamic acid.
Molecular consequence: missense variant.
Genome position (GRCh38, 1-based): chr7:116,740,026, T>A. VCF-style: chr7-116740026-T-A. GRCh37 (hg19) VCF-style: chr7-116380080-T-A.
Other names: c.1469T>A, p.Val490Glu (NM_001127500.3, NM_001324401.3); c.179T>A, p.Val60Glu (NM_001324402.2); short protein forms V60E, V490E.
Identifiers: ClinVar variation 2760567 (VCV002760567.3), dbSNP rs1386580690, ClinGen allele CA368974158.